The following is an entry in ClinVar:

ClinVar aggregate classification (germline): Uncertain significance (1 of 4 stars; one submission).

Conditions:
Atrial fibrillation, familial, 6 (ATFB6). Identifiers: MedGen C2677294, MONDO:0012816, OMIM 612201.

Allele frequency attached by ClinVar (database versions not stated): gnomAD exomes 0.00001.

Submission:

Labcorp Genetics (formerly Invitae), Labcorp
Classification: Uncertain significance for Atrial fibrillation, familial, 6. Last evaluated: 2023-07-18. Review status: criteria provided, single submitter. Criteria: Invitae Variant Classification Sherloc (09022015). Collection method: clinical testing. Allele origin: germline.
Comment: This variant has not been reported in the literature in individuals affected with NPPA-related conditions. This variant is present in population databases (no rsID available, gnomAD 0.003%). This sequence change replaces serine, which is neutral and polar, with glycine, which is neutral and non-polar, at codon 124 of the NPPA protein (p.Ser124Gly). ClinVar contains an entry for this variant (Variation ID: 574575). In summary, the available evidence is currently insufficient to determine the role of this variant in disease. Therefore, it has been classified as a Variant of Uncertain Significance. An algorithm developed to predict the effect of missense changes on protein structure and function (PolyPhen-2) suggests that this variant is likely to be disruptive.

NM_006172.4(NPPA):c.370A>G (p.Ser124Gly)

Genes: NPPA-AS1 (NPPA antisense RNA 1; plus strand), NPPA (natriuretic peptide A; minus strand), LOC114827827 (VISTA enhancer hs2123; plus strand). Cytogenetic location: 1p36.22.
Variant type: single nucleotide variant.
Coding change: c.370A>G on transcript NM_006172.4 (MANE Select); coding-DNA position 370, A replaced by G.
Protein change: p.Ser124Gly; replaces serine 124 with glycine.
Molecular consequence: missense variant.
Genome position (GRCh38, 1-based): chr1:11,847,193, T>C on the plus strand (A>G on the coding strand, the complement: NPPA is on the minus strand). VCF-style: chr1-11847193-T-C. GRCh37 (hg19) VCF-style: chr1-11907250-T-C.
Other names: c.370A>G (LRG_751t1); short protein forms S124G.
Identifiers: ClinVar variation 574575 (VCV000574575.10), dbSNP rs1215729892, ClinGen allele CA338449370.
Genomic context (GRCh38, chr1:11,847,193, plus strand): 5'-GTCCGCTCTGGGCTCCAATCCTGTCCATCCTGCCCCCGAAGCAGCTGGATCTCCGCAGGC[T>C]CCGAGGGGCAGTGAGCAGCGCCCTCAGCTTGCTTTTTAGGAGGGCAGATCGATCAGAGGA-3'
Protein context (NP_006163.1, residues 114-134): KLRALLTAPR[Ser124Gly]LRRSSCFGGR